The following is an entry in ClinVar:

ClinVar aggregate classification (germline): Uncertain significance. Review status: criteria provided, multiple submitters, no conflicts (2 of 4 stars). 2 submissions from 2 submitters: Uncertain significance (2). Last evaluated 2026-02-27.

Conditions:
Hereditary cancer-predisposing syndrome. Also called: Neoplastic Syndromes, Hereditary; Hereditary neoplastic syndrome; Tumor predisposition; Hereditary Cancer Syndrome. Identifiers: Orphanet 140162, MedGen C0027672, MeSH D009386, MONDO:0015356.
Multiple endocrine neoplasia, type 1 (MEN1). Also called: MEN I; WERMER SYNDROME; Endocrine adenomatosis multiple; MEN 1; MEA I. Identifiers: Orphanet 652, MedGen C0025267, MeSH D018761, MONDO:0007540, OMIM 131100.

Submissions (2):

Ambry Genetics
Classification: Uncertain significance for Hereditary cancer-predisposing syndrome. Last evaluated: 2026-02-27. Review status: criteria provided, single submitter. Criteria: Ambry Variant Classification Scheme 2023. Collection method: clinical testing. Allele origin: germline.
Comment: The p.Q393H variant (also known as c.1179A>C), located in coding exon 7 of the MEN1 gene, results from an A to C substitution at nucleotide position 1179. The glutamine at codon 393 is replaced by histidine, an amino acid with highly similar properties. This amino acid position is conserved. In addition, the in silico prediction for this alteration is inconclusive. Based on the available evidence, the clinical significance of this variant remains unclear.

Labcorp Genetics (formerly Invitae), Labcorp
Classification: Uncertain significance for Multiple endocrine neoplasia, type 1. Last evaluated: 2025-10-14. Review status: criteria provided, single submitter. Criteria: Invitae Variant Classification Sherloc (09022015). Collection method: clinical testing. Allele origin: germline.
Comment: This sequence change replaces glutamine, which is neutral and polar, with histidine, which is basic and polar, at codon 393 of the MEN1 protein (p.Gln393His). This variant is not present in population databases (gnomAD no frequency). This variant has not been reported in the literature in individuals affected with MEN1-related conditions. Invitae Evidence Modeling of protein sequence and biophysical properties (such as structural, functional, and spatial information, amino acid conservation, physicochemical variation, residue mobility, and thermodynamic stability) has been performed for this missense variant. However, the output from this modeling did not meet the statistical confidence thresholds required to predict the impact of this variant on MEN1 protein function. In summary, the available evidence is currently insufficient to determine the role of this variant in disease. Therefore, it has been classified as a Variant of Uncertain Significance.

NM_001370259.2(MEN1):c.1179A>C (p.Gln393His)

Gene: MEN1 (menin 1; minus strand). Cytogenetic location: 11q13.1.
Variant type: single nucleotide variant.
Coding change: c.1179A>C on transcript NM_001370259.2 (MANE Select); coding-DNA position 1179, A replaced by C.
Protein change: p.Gln393His; replaces glutamine 393 with histidine.
Molecular consequence: missense variant. On other transcripts: non-coding transcript variant (4).
Genome position (GRCh38, 1-based): chr11:64,805,641, T>G on the plus strand (A>C on the coding strand, the complement: MEN1 is on the minus strand). VCF-style: chr11-64805641-T-G. GRCh37 (hg19) VCF-style: chr11-64573113-T-G.
Other names: c.1179A>C, p.Gln393His (NM_001407146.1, NM_001407147.1, NM_001407152.1 and 3 more transcripts); c.1074A>C, p.Gln358His (NM_001407148.1, NM_001407149.1, NM_001370262.2 and 1 more transcripts); c.1320A>C, p.Gln440His (NM_001407150.1); c.1200A>C, p.Gln400His (NM_001407151.1); c.1194A>C, p.Gln398His (NM_130800.3, NM_000244.4, NM_001407145.1 and 4 more transcripts); c.1305A>C, p.Gln435His (NM_001370251.2, NM_001407142.1, NM_001407143.1 and 1 more transcripts); short protein forms Q358H, Q393H, Q398H, Q400H, Q435H, Q440H.
Identifiers: ClinVar variation 4800421 (VCV004800421.2).
Genomic context (GRCh38, chr11:64,805,641, plus strand): 5'-GGGAGCCCTGTCCAGGTGGGAGGCTGGACACAGGCTGGAGCTCCAGCCTTTCACCTGGCT[T>G]TGCTCCCCCGGCCGCTCCTCGCCCGCCTCCAGCAAGCTGGCTGCCTCCTTCAGCAGGTTG-3'
Protein context (NP_001357188.2, residues 383-403): LEAGEERPGE[Gln393His]SQGTQSQGSA